The following is an entry in ClinVar:

ClinVar aggregate classification (germline): Uncertain significance (1 of 4 stars; one submission).

Allele frequency attached by ClinVar (database versions not stated): gnomAD 0.00001; gnomAD exomes 0.00001 and 0.00004; TOPMed 0.00001; ExAC 0.00003.
gnomAD v4.1: 23 of 1,614,044 alleles (0.0014%); highest among the groups gnomAD compares: South Asian, 0.012%; no homozygotes.

Submission:

Labcorp Genetics (formerly Invitae), Labcorp
Classification: Uncertain significance. Last evaluated: 2021-12-02. Review status: criteria provided, single submitter. Criteria: Invitae Variant Classification Sherloc (09022015). Collection method: clinical testing. Allele origin: germline.
Comment: In summary, the available evidence is currently insufficient to determine the role of this variant in disease. Therefore, it has been classified as a Variant of Uncertain Significance. Algorithms developed to predict the effect of sequence changes on RNA splicing suggest that this variant may create or strengthen a splice site. Algorithms developed to predict the effect of missense changes on protein structure and function are either unavailable or do not agree on the potential impact of this missense change (SIFT: "Tolerated"; PolyPhen-2: "Probably Damaging"; Align-GVGD: "Class C0"). This variant has not been reported in the literature in individuals affected with LAMA1-related conditions. This variant is present in population databases (rs780966401, gnomAD 0.02%). This sequence change replaces asparagine, which is neutral and polar, with serine, which is neutral and polar, at codon 665 of the LAMA1 protein (p.Asn665Ser).

NM_005559.4(LAMA1):c.1994A>G (p.Asn665Ser)

Gene: LAMA1 (laminin subunit alpha 1; minus strand). Cytogenetic location: 18p11.31.
Variant type: single nucleotide variant.
Coding change: c.1994A>G on transcript NM_005559.4 (MANE Select); coding-DNA position 1994, A replaced by G.
Protein change: p.Asn665Ser; replaces asparagine 665 with serine.
Molecular consequence: missense variant.
Genome position (GRCh38, 1-based): chr18:7,034,536, T>C on the plus strand (A>G on the coding strand, the complement: LAMA1 is on the minus strand). VCF-style: chr18-7034536-T-C. GRCh37 (hg19) VCF-style: chr18-7034535-T-C.
Other names: short protein forms N665S.
Identifiers: ClinVar variation 1352619 (VCV001352619.5), dbSNP rs780966401, ClinGen allele CA8882813.